The following is an entry in ClinVar:

NM_000218.3(KCNQ1):c.1204A>G (p.Ser402Gly)

Gene: KCNQ1 (potassium voltage-gated channel subfamily Q member 1; plus strand). Cytogenetic location: 11p15.5.
Variant type: single nucleotide variant.
Coding change: c.1204A>G on transcript NM_000218.3 (MANE Select); coding-DNA position 1204, A replaced by G.
Protein change: p.Ser402Gly; replaces serine 402 with glycine.
Molecular consequence: missense variant.
Genome position (GRCh38, 1-based): chr11:2,587,645, A>G. VCF-style: chr11-2587645-A-G. GRCh37 (hg19) VCF-style: chr11-2608875-A-G.
Other names: c.1108A>G, p.Ser370Gly (NM_001406836.1); c.934A>G, p.Ser312Gly (NM_001406837.1); c.664A>G, p.Ser222Gly (NM_001406838.1); c.823A>G, p.Ser275Gly (NM_181798.2); short protein forms S222G, S275G, S312G, S370G, S402G.
Identifiers: ClinVar variation 3386930 (VCV003386930.1).

ClinVar aggregate classification (germline): Uncertain significance (1 of 4 stars; one submission).

Conditions:
Long QT syndrome (LQTS). Identifiers: MedGen C0023976, MeSH D008133, MONDO:0002442. Disease mechanism: loss of function. Inheritance: Various modes of inheritance.

Submission:

All of Us Research Program, National Institutes of Health
Classification: Uncertain significance for Long QT syndrome. Last evaluated: 2024-09-11. Review status: criteria provided, single submitter. Criteria: ACMG Guidelines, 2015. Collection method: clinical testing. Allele origin: germline. Inheritance: Autosomal dominant inheritance. Observed: 1 variant allele, 1 heterozygote.
Comment: This study involves interpretation of variants in research participants for the purpose of population health screening. Participant phenotype was not available at the time of variant classification. Additional details can be found in publication PMID: 35346344, PMCID: PMC8962531